The following is an entry in ClinVar:

NM_000257.4(MYH7):c.3813C>G (p.Asn1271Lys)

Gene: MYH7 (myosin heavy chain 7; minus strand). Cytogenetic location: 14q11.2.
Variant type: single nucleotide variant.
Coding change: c.3813C>G on transcript NM_000257.4 (MANE Select); coding-DNA position 3813, C replaced by G.
Protein change: p.Asn1271Lys; replaces asparagine 1271 with lysine.
Molecular consequence: missense variant.
Genome position (GRCh38, 1-based): chr14:23,419,523, G>C on the plus strand (C>G on the coding strand, the complement: MYH7 is on the minus strand). VCF-style: chr14-23419523-G-C. GRCh37 (hg19) VCF-style: chr14-23888732-G-C.
Other names: c.3813C>G, p.Asn1271Lys (NM_001407004.1); short protein forms N1271K.
Identifiers: ClinVar variation 3613690 (VCV003613690.2).

ClinVar aggregate classification (germline): Uncertain significance (1 of 4 stars; one submission).

Conditions:
Hypertrophic cardiomyopathy. Also called: HYPERTROPHIC MYOCARDIOPATHY. Identifiers: Orphanet 217569, MedGen C0007194, MeSH D002312, MONDO:0005045, HP:0001639.

Submission:

Labcorp Genetics (formerly Invitae), Labcorp
Classification: Uncertain significance for Hypertrophic cardiomyopathy. Last evaluated: 2024-05-14. Review status: criteria provided, single submitter. Criteria: Invitae Variant Classification Sherloc (09022015). Collection method: clinical testing. Allele origin: germline.
Comment: This sequence change replaces asparagine, which is neutral and polar, with lysine, which is basic and polar, at codon 1271 of the MYH7 protein (p.Asn1271Lys). This variant is not present in population databases (gnomAD no frequency). This missense change has been observed in individual(s) with Brugada syndrome (PMID: 26220970). Advanced modeling of protein sequence and biophysical properties (such as structural, functional, and spatial information, amino acid conservation, physicochemical variation, residue mobility, and thermodynamic stability) has been performed at Invitae for this missense variant, however the output from this modeling did not meet the statistical confidence thresholds required to predict the impact of this variant on MYH7 protein function. In summary, the available evidence is currently insufficient to determine the role of this variant in disease. Therefore, it has been classified as a Variant of Uncertain Significance.

Literature cited by the submitters: PubMed 26220970.